The following is an entry in ClinVar:

NM_001129.5(AEBP1):c.1726G>A (p.Val576Met)

Gene: AEBP1 (AE binding protein 1; plus strand). Cytogenetic location: 7p13.
Variant type: single nucleotide variant.
Coding change: c.1726G>A on transcript NM_001129.5 (MANE Select); coding-DNA position 1726, G replaced by A.
Protein change: p.Val576Met; replaces valine 576 with methionine.
Molecular consequence: missense variant.
Genome position (GRCh38, 1-based): chr7:44,111,516, G>A. VCF-style: chr7-44111516-G-A. GRCh37 (hg19) VCF-style: chr7-44151115-G-A.
Other names: short protein forms V576M.
Identifiers: ClinVar variation 3769095 (VCV003769095.3).

ClinVar aggregate classification (germline): Uncertain significance (1 of 4 stars; one submission).

gnomAD v4.1: 22 of 1,591,998 alleles (0.0014%); highest among the groups gnomAD compares: Non-Finnish European, 0.0019%; no homozygotes.

Submission:

Women's Health and Genetics/Laboratory Corporation of America, LabCorp
Classification: Uncertain significance. Last evaluated: 2025-08-20. Review status: criteria provided, single submitter. Criteria: LabCorp Variant Classification Summary - May 2015. Collection method: clinical testing. Allele origin: germline.
Comment: Variant summary: AEBP1 c.1726G>A (p.Val576Met) results in a conservative amino acid change in the encoded protein sequence. Algorithms developed to predict the effect of missense changes on protein structure and function all suggest that this variant is likely to be tolerated. The variant allele was found at a frequency of 8.6e-06 in 232614 control chromosomes. The available data on variant occurrences in the general population are insufficient to allow any conclusion about variant significance. To our knowledge, no occurrence of c.1726G>A in individuals affected with Ehlers-Danlos syndrome, classic-like, 2 and no experimental evidence demonstrating its impact on protein function have been reported. ClinVar contains an entry for this variant (Variation ID: 3769095). Based on the evidence outlined above, the variant was classified as uncertain significance.